The following is an entry in ClinVar:

ClinVar aggregate classification (germline): Uncertain significance (1 of 4 stars; one submission).

Allele frequency attached by ClinVar (database versions not stated): TOPMed 0.00001; gnomAD exomes below 0.00001; gnomAD 0.00001.
gnomAD v4.1: 2 of 1,612,624 alleles (0.00012%); highest among the groups gnomAD compares: African/African-American, 0.0027%; no homozygotes.

Submission:

Laboratory for Molecular Medicine, Mass General Brigham Personalized Medicine
Classification: Uncertain significance. Last evaluated: 2014-06-26. Review status: criteria provided, single submitter. Criteria: LMM Criteria. Collection method: clinical testing. Allele origin: germline. Observed: 1 variant allele.
Comment: The Glu5057X variant in TTN has not been previously reported in individuals with cardiomyopathy or in large population studies. This variant is located in the l ast exon of an alternative transcript (Novex-3) and is expected to result in a t runcated protein. Although truncating variants in the TTN gene are common in ind ividuals with DCM (Herman 2012), the function of the Novex-3 transcript is uncle ar. In summary, the clinical significance of the Glu5057X variant is uncertain.

NM_133379.5(TTN):c.15169G>T (p.Glu5057Ter)

Gene: TTN (titin; minus strand). Cytogenetic location: 2q31.2.
Variant type: single nucleotide variant.
Coding change: c.15169G>T on transcript NM_133379.5 (MANE Plus Clinical); coding-DNA position 15169, G replaced by T.
Protein change: p.Glu5057Ter; replaces glutamic acid 5057 with a stop codon.
Molecular consequence: nonsense. On other transcripts: intron variant (6).
Genome position (GRCh38, 1-based): chr2:178,747,231, C>A on the plus strand (G>T on the coding strand, the complement: TTN is on the minus strand). VCF-style: chr2-178747231-C-A. GRCh37 (hg19) VCF-style: chr2-179611958-C-A.
Other names: c.10223-5310G>T (NM_003319.4); c.10799-5310G>T (NM_133437.4); c.10598-5310G>T (NM_133432.3); c.10360+5893G>T (NM_133378.4); c.10361-5310G>T (NM_001256850.1); c.11312-5310G>T (NM_001267550.2); short protein forms E5057*.
Identifiers: ClinVar variation 166255 (VCV000166255.5), dbSNP rs727503665, ClinGen allele CA179085.
Genomic context (GRCh38, chr2:178,747,231, plus strand): 5'-GGGGTGTGGAGTATCTCTCTAGAGTCTCTCCTGGAGGTGTGGAGTATCTCTCTAGTGTCT[C>A]CCCTGGGGGTGTGGAGTATCTTTCTCCTACCTCACCTTCGGAAGGTGTTGAATATCTTTC-3'